The following is an entry in ClinVar:

ClinVar aggregate classification (germline): Uncertain significance (1 of 4 stars; one submission).

Conditions:
Autosomal dominant hypocalcemia 1 (HYPOC1). Also called: HYPOCALCEMIA, FAMILIAL. Identifiers: MedGen C3715128, MONDO:0011013, OMIM 601198.
Familial hypocalciuric hypercalcemia (FHH). Also called: Familial benign hypercalcemia. Identifiers: Orphanet 405, MedGen C1809471, MONDO:0018458.

Allele frequency attached by ClinVar (database versions not stated): TOPMed below 0.00001; gnomAD 0.00001.

Submission:

Labcorp Genetics (formerly Invitae), Labcorp
Classification: Uncertain significance for Familial hypocalciuric hypercalcemia; Autosomal dominant hypocalcemia 1. Last evaluated: 2024-11-05. Review status: criteria provided, single submitter. Criteria: Invitae Variant Classification Sherloc (09022015). Collection method: clinical testing. Allele origin: germline.
Comment: This sequence change replaces alanine, which is neutral and non-polar, with threonine, which is neutral and polar, at codon 324 of the CASR protein (p.Ala324Thr). This variant is not present in population databases (gnomAD no frequency). This variant has not been reported in the literature in individuals affected with CASR-related conditions. ClinVar contains an entry for this variant (Variation ID: 1005444). An algorithm developed to predict the effect of missense changes on protein structure and function (PolyPhen-2) suggests that this variant is likely to be disruptive. In summary, the available evidence is currently insufficient to determine the role of this variant in disease. Therefore, it has been classified as a Variant of Uncertain Significance.

NM_000388.4(CASR):c.970G>A (p.Ala324Thr)

Gene: CASR (calcium sensing receptor; plus strand). Cytogenetic location: 3q21.1.
Variant type: single nucleotide variant.
Coding change: c.970G>A on transcript NM_000388.4 (MANE Select); coding-DNA position 970, G replaced by A.
Protein change: p.Ala324Thr; replaces alanine 324 with threonine.
Molecular consequence: missense variant.
Genome position (GRCh38, 1-based): chr3:122,262,005, G>A. VCF-style: chr3-122262005-G-A. GRCh37 (hg19) VCF-style: chr3-121980852-G-A.
Other names: c.970G>A, p.Ala324Thr (NM_001178065.2); short protein forms A324T.
Identifiers: ClinVar variation 1005444 (VCV001005444.7), dbSNP rs758569521, ClinGen allele CA354151859.
Genomic context (GRCh38, chr3:122,262,005, plus strand): 5'-CTGATCGCCATGCCTCAGTACTTCCACGTGGTTGGCGGCACCATTGGATTCGCTCTGAAG[G>A]CTGGGCAGATCCCAGGCTTCCGGGAATTCCTGAAGAAGGTCCATCCCAGGAAGTCTGTCC-3'
Protein context (NP_000379.3, residues 314-334): VGGTIGFALK[Ala324Thr]GQIPGFREFL